The following is an entry in ClinVar:

ClinVar aggregate classification (germline): Uncertain significance (1 of 4 stars; one submission).

Conditions:
Epidermodysplasia verruciformis. Identifiers: Orphanet 302, MedGen C0014522, MONDO:0009176.

Allele frequency attached by ClinVar (database versions not stated): gnomAD 0.00001; TOPMed 0.00002.
gnomAD v4.1: 29 of 1,469,392 alleles (0.002%); highest among the groups gnomAD compares: Non-Finnish European, 0.0025%; no homozygotes.

Submission:

Labcorp Genetics (formerly Invitae), Labcorp
Classification: Uncertain significance for Epidermodysplasia verruciformis. Last evaluated: 2021-08-24. Review status: criteria provided, single submitter. Criteria: Invitae Variant Classification Sherloc (09022015). Collection method: clinical testing. Allele origin: germline.
Comment: This sequence change replaces alanine with proline at codon 56 of the TMC8 protein (p.Ala56Pro). The alanine residue is weakly conserved and there is a small physicochemical difference between alanine and proline. The frequency data for this variant in the population databases is considered unreliable, as metrics indicate insufficient coverage at this position in the ExAC database. This variant has not been reported in the literature in individuals affected with TMC8-related conditions. Algorithms developed to predict the effect of missense changes on protein structure and function (SIFT, PolyPhen-2, Align-GVGD) all suggest that this variant is likely to be tolerated. In summary, the available evidence is currently insufficient to determine the role of this variant in disease. Therefore, it has been classified as a Variant of Uncertain Significance.

NM_152468.5(TMC8):c.166G>C (p.Ala56Pro)

Genes: TMC6 (transmembrane channel like 6; minus strand), TMC8 (transmembrane channel like 8; plus strand), LOC130061792 (ATAC-STARR-seq lymphoblastoid silent region 9043; plus strand). Cytogenetic location: 17q25.3.
Variant type: single nucleotide variant.
Coding change: c.166G>C on transcript NM_152468.5 (MANE Select); coding-DNA position 166, G replaced by C.
Protein change: p.Ala56Pro; replaces alanine 56 with proline.
Molecular consequence: missense variant. On other transcripts: intron variant (1).
Genome position (GRCh38, 1-based): chr17:78,131,898, G>C. VCF-style: chr17-78131898-G-C. GRCh37 (hg19) VCF-style: chr17-76127979-G-C.
Other names: c.-75+443C>G (NM_007267.7); short protein forms A56P.
Identifiers: ClinVar variation 1051258 (VCV001051258.45), dbSNP rs1044475107, ClinGen allele CA294359472.